The following continues an entry in ClinVar:

NM_007294.4(BRCA1):c.4654T>C (p.Tyr1552His)

Gene: BRCA1. ClinVar aggregate classification (germline): Conflicting classifications of pathogenicity. Uncertain significance (8); Likely benign (2).

Submissions 8 to 12 of 12:

Sema4
Classification: Uncertain significance for Hereditary cancer-predisposing syndrome. Last evaluated: 2022-01-02. Review status: criteria provided, single submitter. Criteria: Sema4 Curation Guidelines. Collection method: curation. Allele origin: germline.
Comment: The BRCA1 c.4654T>C (p.Y1552H) variant has been reported in heterozygosity in at least one family with breast cancer and one family with melanoma (PMID: 22713736, 29036293). This variant was observed in 1/113,558 chromosomes in the European (non-Finnish) population, with no homozygotes, in the large and broad cohorts of the Genome Aggregation Database (PMID: 32461654). The variant has been reported in ClinVar (Variation ID 433716). Functional studies have not been performed, and in silico predictions of the variant's effect on protein function are inconclusive. The evidence is insufficient to meet ACMG/AMP criteria for classifying the variant as benign or pathogenic. Based on the current evidence available, this variant is interpreted as a variant of uncertain significance.

Fulgent Genetics
Classification: Uncertain significance for Familial cancer of breast; Breast-ovarian cancer, familial, susceptibility to, 1; Pancreatic cancer, susceptibility to, 4; Fanconi anemia, complementation group S. Last evaluated: 2018-10-31. Review status: criteria provided, single submitter. Criteria: ACMG Guidelines, 2015. Collection method: clinical testing. Allele origin: unknown.

Color Diagnostics, LLC DBA Color Health
Classification: Likely benign for Hereditary cancer-predisposing syndrome. Last evaluated: 2017-10-07. Review status: criteria provided, single submitter. Criteria: ACMG Guidelines, 2015. Collection method: clinical testing. Allele origin: germline.

Foulkes Cancer Genetics LDI, Lady Davis Institute for Medical Research
Classification: Likely benign for Breast and/or ovarian cancer. Last evaluated: 2013-10-03. Review status: no assertion criteria provided. Collection method: clinical testing. Allele origin: germline. Study: The Canadian Open Genetics Repository (COGR). Not counted in ClinVar's aggregate classification.

Department of Pathology and Laboratory Medicine, Sinai Health System
Classification: Uncertain significance for Malignant tumor of breast. Review status: no assertion criteria provided. Collection method: clinical testing. Allele origin: unknown. Affected: yes. Observed: 1 variant allele. Study: The Canadian Open Genetics Repository (COGR). Not counted in ClinVar's aggregate classification.
Comment: The variant was also identified in UMD (2X as an unclassified variant); in one of these samples it was found in co-occurrence with a pathogenic BRCA1 mutation (c.4358_4484del (p.Ala1453GlyfsX10)), increasing the likelihood that the p.Tyr1552His variant does not have clinical significance. The variant occurs outside of the splicing consensus sequence and in silico or computational prediction software programs (SpliceSiteFinder, MaxEntScan, NNSPLICE, GeneSplicer, HumanSpliceFinder) do not predict a difference in splicing. The p.Ala469Thr residue is not conserved in mammals and computational analyses (PolyPhen-2, SIFT, AlignGVGD, BLOSUM, MutationTaster) do not suggest a high likelihood of impact to the protein. However, this information is not predictive enough to rule out pathogenicity. In summary, based on the above information, the clinical significance of this variant cannot be determined with certainty at this time. This variant is classified as a variant of unknown significance.

Literature cited by the submitters: PubMed 22713736 (cited by 5 submitters); PubMed 29036293 (cited by 5 submitters); PubMed 29156836 (cited by Quest Diagnostics Nichols Institute San Juan Capistrano).